The following is an entry in ClinVar:

ClinVar aggregate classification (germline): Uncertain significance (1 of 4 stars; one submission).

Conditions:
Developmental and epileptic encephalopathy, 1 (DEE1). Also called: X-linked infantile spasms; West's syndrome; Tonic spasms with clustering, arrest of psychomotor development and hypsarrhythmia on EEG; X-Linked Infantile Spasm Syndrome; OHTAHARA SYNDROME, X-LINKED; INFANTILE SPASM SYNDROME, X-LINKED 1. Identifiers: MedGen C3463992, MONDO:0010632, OMIM 308350. Disease mechanism: loss of function.
Autosomal recessive spinocerebellar ataxia 12. Also called: SPINOCEREBELLAR ATAXIA WITH MENTAL RETARDATION AND EPILEPSY. Identifiers: Orphanet 284282, MedGen C3280452, MONDO:0013687, OMIM 614322.

gnomAD v4.1: 5 of 1,614,054 alleles (0.00031%); highest among the groups gnomAD compares: Non-Finnish European, 0.00042%; no homozygotes.

Submission:

Labcorp Genetics (formerly Invitae), Labcorp
Classification: Uncertain significance for Developmental and epileptic encephalopathy, 1; Autosomal recessive spinocerebellar ataxia 12. Last evaluated: 2022-07-10. Review status: criteria provided, single submitter. Criteria: Invitae Variant Classification Sherloc (09022015). Collection method: clinical testing. Allele origin: germline.
Comment: This variant has not been reported in the literature in individuals affected with WWOX-related conditions. This variant is not present in population databases (gnomAD no frequency). This sequence change replaces proline, which is neutral and non-polar, with glutamine, which is neutral and polar, at codon 282 of the WWOX protein (p.Pro282Gln). Algorithms developed to predict the effect of missense changes on protein structure and function are either unavailable or do not agree on the potential impact of this missense change (SIFT: "Not Available"; PolyPhen-2: "Possibly Damaging"; Align-GVGD: "Not Available"). In summary, the available evidence is currently insufficient to determine the role of this variant in disease. Therefore, it has been classified as a Variant of Uncertain Significance.

NM_016373.4(WWOX):c.845C>A (p.Pro282Gln)

Gene: WWOX (WW domain containing oxidoreductase; plus strand). Cytogenetic location: 16q23.1.
Variant type: single nucleotide variant.
Coding change: c.845C>A on transcript NM_016373.4 (MANE Select); coding-DNA position 845, C replaced by A.
Protein change: p.Pro282Gln; replaces proline 282 with glutamine.
Molecular consequence: missense variant.
Genome position (GRCh38, 1-based): chr16:78,432,541, C>A. VCF-style: chr16-78432541-C-A. GRCh37 (hg19) VCF-style: chr16-78466438-C-A.
Other names: c.506C>A, p.Pro169Gln (NM_001291997.2); short protein forms P169Q, P282Q.
Identifiers: ClinVar variation 1945996 (VCV001945996.5), dbSNP rs770542796, ClinGen allele CA284547214.
Genomic context (GRCh38, chr16:78,432,541, plus strand): 5'-TTTTAAGATTTACAGATATTAACGACTCCTTGGGAAAACTGGACTTCAGTCGCCTCTCTC[C>A]AACAAAAAACGACTATTGGGCGATGCTGGCTTATAACAGGTCCAAGCTCTGCAACATCCT-3'
Protein context (NP_057457.1, residues 272-292): LGKLDFSRLS[Pro282Gln]TKNDYWAMLA